The following is an entry in ClinVar:

ClinVar aggregate classification (germline): Uncertain significance (1 of 4 stars; one submission).

Allele frequency attached by ClinVar (database versions not stated): gnomAD exomes below 0.00001; ExAC 0.00001.
gnomAD v4.1: 1 of 1,601,494 alleles (0.000062%); highest among the groups gnomAD compares: Non-Finnish European, 0.000086%; no homozygotes.

Submission:

Labcorp Genetics (formerly Invitae), Labcorp
Classification: Uncertain significance. Last evaluated: 2022-10-26. Review status: criteria provided, single submitter. Criteria: Invitae Variant Classification Sherloc (09022015). Collection method: clinical testing. Allele origin: germline.
Comment: This sequence change replaces glycine, which is neutral and non-polar, with arginine, which is basic and polar, at codon 1657 of the COL11A1 protein (p.Gly1657Arg). This variant is not present in population databases (gnomAD no frequency). This variant has not been reported in the literature in individuals affected with COL11A1-related conditions. Algorithms developed to predict the effect of missense changes on protein structure and function are either unavailable or do not agree on the potential impact of this missense change (SIFT: "Deleterious"; PolyPhen-2: "Not Available"; Align-GVGD: "Class C65"). In summary, the available evidence is currently insufficient to determine the role of this variant in disease. Therefore, it has been classified as a Variant of Uncertain Significance.

NM_001854.4(COL11A1):c.4969G>A (p.Gly1657Arg)

Gene: COL11A1 (collagen type XI alpha 1 chain; minus strand). Cytogenetic location: 1p21.1.
Variant type: single nucleotide variant.
Coding change: c.4969G>A on transcript NM_001854.4 (MANE Select); coding-DNA position 4969, G replaced by A.
Protein change: p.Gly1657Arg; replaces glycine 1657 with arginine.
Molecular consequence: missense variant. On other transcripts: non-coding transcript variant (1).
Genome position (GRCh38, 1-based): chr1:102,883,201, C>T on the plus strand (G>A on the coding strand, the complement: COL11A1 is on the minus strand). VCF-style: chr1-102883201-C-T. GRCh37 (hg19) VCF-style: chr1-103348757-C-T.
Other names: c.4621G>A, p.Gly1541Arg (NM_001168249.1, NM_080630.4); c.4852G>A, p.Gly1618Arg (NM_001190709.2); c.5005G>A, p.Gly1669Arg (NM_080629.3); short protein forms G1618R, G1541R, G1657R, G1669R.
Identifiers: ClinVar variation 2068902 (VCV002068902.4), dbSNP rs780916396, ClinGen allele CA973365.